The following is an entry in ClinVar:

GRCh37/hg19 6q13-14.1(chr6:72799054-83275894)x1

Genes: BCKDHB (branched chain keto acid dehydrogenase E1 subunit beta; plus strand), CD109 (CD109 molecule; plus strand), CGAS (cyclic GMP-AMP synthase; minus strand), COL12A1 (collagen type XII alpha 1 chain; minus strand), COX7A2 (cytochrome c oxidase subunit 7A2; minus strand) and 28 more. Cytogenetic location: 6q13-14.1.
Variant type: copy number loss.
Change: copy number 1 (one copy instead of two) of chr6:72,799,054-83,275,894 (10.48 Mb, GRCh37 coordinates, 1-based), cytogenetic band 6q13-14.1.
Identifiers: ClinVar variation 1341189 (VCV001341189.1).

ClinVar aggregate classification (germline): Pathogenic (0 of 4 stars; one submission).

Submission:

Quest Diagnostics Nichols Institute San Juan Capistrano
Classification: Pathogenic. Last evaluated: 2020-10-15. Review status: no assertion criteria provided. Collection method: clinical testing. Allele origin: germline.
Comment: This copy number loss involves multiple genes including 14 associated with OMIM phenotypes so, it is expected to cause phenotypic and/or developmental abnormalities. Although deletions of the long arm of chromosome 6 are relatively rare, patients with copy number losses overlapping the 6q13q14.2 region have variable, non-specific phenotypes which may involve umbilical hernia, hypotonia, intellectual disability, psychomotor and language delay, short stature, dysmorphic features, urinary tract anomalies, and skeletal/limb anomalies (Lespinasse et al., Eur J Med Genet. 2009 Jan-Feb;52(1):49-52, PMID: 18992376.; Becker et al., Eur J Med Genet. 2012 Aug-Sep;55(8-9):490-7, PMID: 22561202; Wang et al., Am J Med Genet A. 2009 Mar;149A(3):372-9, PMID: 19213033)